The following is an entry in ClinVar:

ClinVar aggregate classification (germline): Uncertain significance. Review status: criteria provided, multiple submitters, no conflicts (2 of 4 stars). 2 submissions from 2 submitters: Uncertain significance (2). Last evaluated 2024-12-02.

Allele frequency attached by ClinVar (database versions not stated): gnomAD exomes 0.00001; TOPMed 0.00002; gnomAD 0.00003; ExAC 0.00006.
gnomAD v4.1: 13 of 1,569,416 alleles (0.00083%); highest among the groups gnomAD compares: African/African-American, 0.0095%; no homozygotes.

Submissions (2):

Labcorp Genetics (formerly Invitae), Labcorp
Classification: Uncertain significance. Last evaluated: 2024-12-02. Review status: criteria provided, single submitter. Criteria: Invitae Variant Classification Sherloc (09022015). Collection method: clinical testing. Allele origin: germline.
Comment: This sequence change replaces valine, which is neutral and non-polar, with methionine, which is neutral and non-polar, at codon 154 of the PDE6B protein (p.Val154Met). The frequency data for this variant in the population databases is considered unreliable, as metrics indicate poor data quality at this position in the gnomAD database. This variant has not been reported in the literature in individuals affected with PDE6B-related conditions. ClinVar contains an entry for this variant (Variation ID: 451882). Invitae Evidence Modeling of protein sequence and biophysical properties (such as structural, functional, and spatial information, amino acid conservation, physicochemical variation, residue mobility, and thermodynamic stability) has been performed for this missense variant. However, the output from this modeling did not meet the statistical confidence thresholds required to predict the impact of this variant on PDE6B protein function. In summary, the available evidence is currently insufficient to determine the role of this variant in disease. Therefore, it has been classified as a Variant of Uncertain Significance.

GeneDx
Classification: Uncertain significance. Last evaluated: 2017-09-07. Review status: criteria provided, single submitter. Criteria: GeneDx Variant Classification (06012015). Collection method: clinical testing. Allele origin: germline. Affected: yes.
Comment: The V154M variant has not been published as a pathogenic variant, nor has it been reported as a benign variant to our knowledge. The variant is not observed at a significant frequency in large population cohorts (Lek et al., 2016; 1000 Genomes Consortium et al., 2015; Exome Variant Server). V154M is a conservative amino acid substitution, which is not likely to impact secondary protein structure as these residues share similar properties. However, this substitution occurs at a position that is conserved across species, and in silico analysis predicts this variant is probably damaging to the protein structure/function. In summary, based on the currently available information, it is unclear whether this variant is a pathogenic variant or a rare benign variant.

NM_000283.4(PDE6B):c.460G>A (p.Val154Met)

Gene: PDE6B (phosphodiesterase 6B; plus strand). Cytogenetic location: 4p16.3.
Variant type: single nucleotide variant.
Coding change: c.460G>A on transcript NM_000283.4 (MANE Select); coding-DNA position 460, G replaced by A.
Protein change: p.Val154Met; replaces valine 154 with methionine.
Molecular consequence: missense variant.
Genome position (GRCh38, 1-based): chr4:626,086, G>A. VCF-style: chr4-626086-G-A. GRCh37 (hg19) VCF-style: chr4-619875-G-A.
Other names: c.460G>A, p.Val154Met (NM_001145291.2); short protein forms V154M.
Identifiers: ClinVar variation 451882 (VCV000451882.7), dbSNP rs756889736, ClinGen allele CA2793949.
Genomic context (GRCh38, chr4:626,086, plus strand): 5'-CTGGACATCGGGGTCGTGGGCCACGTGGCTCAGACCAAAAAGATGGTGAACGTCGAGGAC[G>A]TGGCCGAGGTGGGTCTGTGCGGAGCCTCAGGGAGGCGGCTGTGTGCATCTCTTGCACCTG-3'
Protein context (NP_000274.3, residues 144-164): QTKKMVNVED[Val154Met]AECPHFSSFA